The following is an entry in ClinVar:

ClinVar aggregate classification (germline): Conflicting classifications of pathogenicity. Review status: criteria provided, conflicting classifications (1 of 4 stars). 16 submissions from 16 submitters: Pathogenic (6); Likely pathogenic (6); Uncertain significance (1). 3 of the submissions do not count toward it. Last evaluated 2025-07-31.

Conditions:
Chondrodysplasia punctata, brachytelephalangic, autosomal. Also called: BRACHYTELEPHALANGIC CHONDRODYSPLASIA PUNCTATA. Identifiers: MedGen C1844853, MONDO:0011238, OMIM 602497.
ARSE-related disorders.
Inborn genetic diseases. Identifiers: MedGen C0950123, MeSH D030342.
X-linked chondrodysplasia punctata 1 (CDPX1). Also called: CHONDRODYSPLASIA PUNCTATA, BRACHYTELEPHALANGIC; Chondrodysplasia punctata, X-linked recessive. Identifiers: Orphanet 79345, MedGen C3669395, MONDO:0010555, OMIM 302950.

Allele frequency attached by ClinVar (database versions not stated): ExAC 0.00001; gnomAD exomes 0.00001 and 0.00002; gnomAD 0.00003; TOPMed 0.00002.
gnomAD v4.1: 22 of 1,198,580 alleles (0.0018%); highest among the groups gnomAD compares: Non-Finnish European, 0.0023%; no homozygotes.

Submissions (16):

GeneDx
Classification: Pathogenic. Last evaluated: 2025-07-31. Review status: criteria provided, single submitter. Criteria: GeneDx Variant Classification Process June 2021. Collection method: clinical testing. Allele origin: germline. Affected: yes.
Comment: Nonsense variant predicted to result in protein truncation as the last 9 amino acid(s) are lost; This variant is associated with the following publications: (PMID: 9863597, 34529350, 32860008, 19839041, 30084160, 12567415, 26526591)

Labcorp Genetics (formerly Invitae), Labcorp
Classification: Pathogenic for Chondrodysplasia punctata, brachytelephalangic, autosomal. Last evaluated: 2025-07-30. Review status: criteria provided, single submitter. Criteria: Invitae Variant Classification Sherloc (09022015). Collection method: clinical testing. Allele origin: germline.
Comment: This sequence change creates a premature translational stop signal (p.Trp581*) in the ARSE gene. While this is not anticipated to result in nonsense mediated decay, it is expected to disrupt the last 9 amino acid(s) of the ARSE protein. This variant is present in population databases (rs80338714, gnomAD 0.002%). This premature translational stop signal has been observed in individuals with chondrodysplasia punctata (PMID: 9863597, 12567415). ClinVar contains an entry for this variant (Variation ID: 11529). For these reasons, this variant has been classified as Pathogenic.

Genomic Medicine Center of Excellence, King Faisal Specialist Hospital and Research Centre
Classification: Pathogenic for X-linked chondrodysplasia punctata 1. Last evaluated: 2024-12-19. Review status: criteria provided, single submitter. Criteria: ACMG Guidelines, 2015. Collection method: clinical testing. Allele origin: germline.

Genetic Services Laboratory, University of Chicago
Classification: Uncertain significance. Last evaluated: 2024-11-25. Review status: criteria provided, single submitter. Criteria: ACMG Guidelines, 2015. Collection method: clinical testing. Allele origin: germline. Affected: no.
Comment: DNA sequence analysis of the ARSL gene demonstrated a sequence change, c.1743G>A, which results in the creation of a premature stop codon at amino acid position 581, p.Trp581*. This sequence change occurs in the last exon of the ARSL gene and may result in an abnormal transcript, which may be degraded, or may lead to the production of a truncated ARSL protein with potentially abnormal function; however, the functional consequence of this sequence variant has not been conclusively determined. This sequence change has previously been described in several unrelated individuals with phenotypic features consistent with ARSL-related chondrodysplasia punctata (PMIDs: 9863597, 12567415); however, incomplete penetrance and variable expressivity have been described for this disorder. This sequence change has been described in the gnomAD database in one individual, which corresponds to an overall population frequency of 0.001% (dbSNP rs80338714). Due to insufficient evidence and the lack of functional studies, the clinical significance of the p.Trp581* change remains unknown at this time.

Laboratory of Medical Genetics, National & Kapodistrian University of Athens
Classification: Likely pathogenic for X-linked chondrodysplasia punctata 1. Last evaluated: 2024-05-23. Review status: criteria provided, single submitter. Criteria: ACMG Guidelines, 2015. Collection method: clinical testing. Allele origin: germline. Affected: yes.
Comment: PVS1, PM2, PP5-The variant is expected to result in an absent or disrupted protein product. Low frequency in gnomAD population databases. It has been reported in ClinVar as Pathogenic by other laboratories (Variation ID: 11529). It has been previously reported as causative for chondrodysplasia punctata (PMID: 9863597, 12567415)

Ambry Genetics
Classification: Pathogenic for Inborn genetic diseases. Last evaluated: 2024-04-30. Review status: criteria provided, single submitter. Criteria: Ambry Variant Classification Scheme 2023. Collection method: clinical testing. Allele origin: germline.
Comment: The c.1743G>A (p.W581*) alteration, located in exon 11 (coding exon 10) of the ARSL gene, consists of a G to A substitution at nucleotide position 1743. This changes the amino acid from a tryptophan (W) to a stop codon at amino acid position 581. This alteration occurs at the 3' terminus of the ARSL gene, is not expected to trigger nonsense-mediated mRNA decay, and only impacts the last 1.5% of the protein. The exact functional effect of this alteration is unknown. Based on data from gnomAD, the c.1743G>A allele has an overall frequency of 0.001% (2/197636) total alleles studied, with 1 hemizygote observed. The highest observed frequency was 0.002% (2/89531) of European (non-Finnish) alleles. This variant was reported in multiple individuals with features consistent with ARSL-related chondrodysplasia punctata (Sheffield, 1998; Brunetti-Pierri, 2003; Mazzone, 2019; Bertoli-Avella, 2021). Based on the available evidence, this alteration is classified as pathogenic.

Laboratorio de Genetica e Diagnostico Molecular, Hospital Israelita Albert Einstein
Classification: Likely pathogenic for X-linked chondrodysplasia punctata 1. Last evaluated: 2023-12-18. Review status: criteria provided, single submitter. Criteria: ACMG Guidelines, 2015. Collection method: clinical testing. Allele origin: germline. Affected: yes.
Comment: ACMG classification criteria: PVS1 moderate, PS4 strong, PM2 supporting, PP1 supporting

Institute of Medical Genetics and Applied Genomics, University Hospital Tübingen
Classification: Pathogenic for X-linked chondrodysplasia punctata 1. Last evaluated: 2023-11-30. Review status: criteria provided, single submitter. Criteria: ACMG Guidelines, 2015. Collection method: clinical testing. Allele origin: germline. Inheritance: X-linked recessive inheritance. Affected: yes.

Revvity Omics, Revvity
Classification: Likely pathogenic for X-linked chondrodysplasia punctata 1. Last evaluated: 2023-05-30. Review status: criteria provided, single submitter. Criteria: ACMG Guidelines, 2015. Collection method: clinical testing. Allele origin: germline.

Blueprint Genetics
Classification: Likely pathogenic for ARSE-related disorders. Last evaluated: 2022-12-13. Review status: criteria provided, single submitter. Criteria: ACMG Guidelines, 2015. Collection method: clinical testing. Allele origin: germline. Affected: yes. Observed: 1 variant allele.

Institute of Human Genetics, University of Leipzig Medical Center
Classification: Likely pathogenic for X-linked chondrodysplasia punctata 1. Last evaluated: 2022-10-07. Review status: criteria provided, single submitter. Criteria: ACMG Guidelines, 2015. Collection method: clinical testing. Allele origin: maternal. Inheritance: X-linked recessive inheritance. Affected: yes.
Comment: Criteria applied: PVS1_MOD, PS4, PM2_SUP

Centre for Mendelian Genomics, University Medical Centre Ljubljana
Classification: Likely pathogenic. Last evaluated: 2020-02-18. Review status: criteria provided, single submitter. Criteria: ACMG Guidelines, 2015. Collection method: clinical testing. Allele origin: unknown. Affected: yes.
Comment: This variant was classified as: Likely pathogenic. The following ACMG criteria were applied in classifying this variant: PVS1,PM2.

CENTOGENE GmbH and LLC - Guiding Precision Medicine
Classification: Pathogenic for X-linked chondrodysplasia punctata 1. Review status: criteria provided, single submitter. Criteria: ACMG Guidelines, 2015. Collection method: clinical testing. Allele origin: germline. Affected: yes.

Biochemical Molecular Genetic Laboratory, King Abdulaziz Medical City
Classification: Pathogenic for X-linked chondrodysplasia punctata 1. Last evaluated: 2020-02-05. Review status: no assertion criteria provided. Collection method: clinical testing. Allele origin: germline. Affected: yes. Not counted in ClinVar's aggregate classification.

OMIM
Classification: Pathogenic for CHONDRODYSPLASIA PUNCTATA 1, X-LINKED RECESSIVE. Last evaluated: 2003-03-01. Review status: no assertion criteria provided. Collection method: literature only. Allele origin: germline. Not counted in ClinVar's aggregate classification.

GeneReviews
No classification provided. Condition: X-linked chondrodysplasia punctata 1. Review status: no classification provided. Collection method: literature only. Allele origin: unknown. Not counted in ClinVar's aggregate classification.

Literature cited by the submitters: PubMed 9863597 (cited by Labcorp Genetics (formerly Invitae), Labcorp and Ambry Genetics); PubMed 12567415 (cited by 4 submitters); PubMed 30084160 (cited by Ambry Genetics); PubMed 32860008 (cited by Ambry Genetics and CENTOGENE GmbH and LLC - Guiding Precision Medicine); PubMed 20301713 (cited by GeneReviews); NCBI Bookshelf NBK1544 (cited by GeneReviews).

NM_000047.3(ARSL):c.1743G>A (p.Trp581Ter)

Gene: ARSL (arylsulfatase L; minus strand). Cytogenetic location: Xp22.33.
Variant type: single nucleotide variant.
Coding change: c.1743G>A on transcript NM_000047.3 (MANE Select); coding-DNA position 1743, G replaced by A.
Protein change: p.Trp581Ter; replaces tryptophan 581 with a stop codon.
Molecular consequence: nonsense.
Genome position (GRCh38, 1-based): chrX:2,934,859, C>T on the plus strand (G>A on the coding strand, the complement: ARSL is on the minus strand). VCF-style: chrX-2934859-C-T. GRCh37 (hg19) VCF-style: chrX-2852900-C-T.
Other names: W581X; c.1818G>A, p.Trp606Ter (NM_001282628.2, NM_001369080.1); c.1581G>A, p.Trp527Ter (NM_001282631.2); c.1770G>A, p.Trp590Ter (NM_001369079.1); short protein forms W581*, W590*, W527*, W606*.
Identifiers: ClinVar variation 11529 (VCV000011529.36), dbSNP rs80338714, ClinGen allele CA341097.